The following is an entry in ClinVar:

ClinVar aggregate classification (germline): Uncertain significance (1 of 4 stars; one submission).

Conditions:
Nephronophthisis. Also called: Juvenile Nephronophthisis. Identifiers: Orphanet 655, MedGen C0687120, MONDO:0019005, HP:0000090.

Allele frequency attached by ClinVar (database versions not stated): gnomAD exomes below 0.00001; ExAC 0.00001.
gnomAD v4.1: 1 of 1,613,272 alleles (0.000062%); no homozygotes.

Submission:

Labcorp Genetics (formerly Invitae), Labcorp
Classification: Uncertain significance for Nephronophthisis. Last evaluated: 2024-04-25. Review status: criteria provided, single submitter. Criteria: Invitae Variant Classification Sherloc (09022015). Collection method: clinical testing. Allele origin: germline.
Comment: This sequence change replaces leucine, which is neutral and non-polar, with valine, which is neutral and non-polar, at codon 361 of the NPHP1 protein (p.Leu361Val). This variant is present in population databases (rs748446911, gnomAD 0.0009%). This variant has not been reported in the literature in individuals affected with NPHP1-related conditions. ClinVar contains an entry for this variant (Variation ID: 960760). Advanced modeling of protein sequence and biophysical properties (such as structural, functional, and spatial information, amino acid conservation, physicochemical variation, residue mobility, and thermodynamic stability) performed at Invitae indicates that this missense variant is not expected to disrupt NPHP1 protein function with a negative predictive value of 80%. In summary, the available evidence is currently insufficient to determine the role of this variant in disease. Therefore, it has been classified as a Variant of Uncertain Significance.

NM_001128178.3(NPHP1):c.913C>G (p.Leu305Val)

Gene: NPHP1 (nephrocystin 1; minus strand). Cytogenetic location: 2q13.
Variant type: single nucleotide variant.
Coding change: c.913C>G on transcript NM_001128178.3 (MANE Select); coding-DNA position 913, C replaced by G.
Protein change: p.Leu305Val; replaces leucine 305 with valine.
Molecular consequence: missense variant.
Genome position (GRCh38, 1-based): chr2:110,161,644, G>C on the plus strand (C>G on the coding strand, the complement: NPHP1 is on the minus strand). VCF-style: chr2-110161644-G-C. GRCh37 (hg19) VCF-style: chr2-110919221-G-C.
Other names: c.1081C>G, p.Leu361Val (NM_000272.5); c.724C>G, p.Leu242Val (NM_001128179.3); c.910C>G, p.Leu304Val (NM_001374256.1); c.913C>G, p.Leu305Val (NM_001374257.1); c.1078C>G, p.Leu360Val (NM_207181.4); short protein forms L304V, L305V, L361V, L242V, L360V.
Identifiers: ClinVar variation 960760 (VCV000960760.9), dbSNP rs748446911, ClinGen allele CA1827173.
Genomic context (GRCh38, chr2:110,161,644, plus strand): 5'-TGATAGTAACTATACTTACAGTGCCTTCTGTAGCATCCCACATCAGATCTCTGAAGGCCA[G>C]TTGTGAAGGCATGAGCTCTGGTTGTAAGAAGTAATTTGCTCGAAATTGATTCCCTGAAAA-3'
Protein context (NP_001121650.1, residues 295-315): FLQPELMPSQ[Leu305Val]AFRDLMWDAT